The following is an entry in ClinVar:

ClinVar aggregate classification (germline): Pathogenic. Review status: reviewed by expert panel (3 of 4 stars). 4 submissions from 4 submitters: Pathogenic (1). 3 of the submissions do not count toward it. Last evaluated 2016-09-08.

Conditions:
Hereditary cancer-predisposing syndrome. Also called: Hereditary Cancer Syndrome; Hereditary neoplastic syndrome; Neoplastic Syndromes, Hereditary; Tumor predisposition. Identifiers: Orphanet 140162, MedGen C0027672, MeSH D009386, MONDO:0015356.
Breast-ovarian cancer, familial, susceptibility to, 1 (BROVCA1). Also called: BRCA1 Hereditary Breast and Ovarian Cancer; OVARIAN CANCER, SUSCEPTIBILITY TO. Identifiers: Orphanet 145, MedGen C2676676, MONDO:0011450, OMIM 604370. Disease mechanism: loss of function.
Hereditary breast ovarian cancer syndrome. Also called: BRCA1- and BRCA2-Associated Hereditary Breast and Ovarian Cancer; Hereditary breast and ovarian cancer syndrome; Hereditary breast and ovarian cancer syndrome (HBOC); Breast and ovarian cancer; Hereditary breast and/or ovarian cancer syndrome; Hereditary breast and ovarian cancer. Identifiers: Orphanet 145, MedGen C0677776, MeSH D061325, MONDO:0003582. Disease mechanism: loss of function.

Submissions (4):

Evidence-based Network for the Interpretation of Germline Mutant Alleles (ENIGMA)
Classification: Pathogenic for Breast-ovarian cancer, familial, susceptibility to, 1. Last evaluated: 2016-09-08. Review status: reviewed by expert panel. Criteria: ENIGMA BRCA1/2 Classification Criteria (2015). Collection method: curation. Allele origin: germline.
Comment: Variant allele predicted to encode a truncated non-functional protein.

Labcorp Genetics (formerly Invitae), Labcorp
Classification: Pathogenic for Hereditary breast ovarian cancer syndrome. Last evaluated: 2018-09-01. Review status: criteria provided, single submitter. Criteria: Invitae Variant Classification Sherloc (09022015). Collection method: clinical testing. Allele origin: germline. Not counted in ClinVar's aggregate classification.
Comment: This sequence change results in a premature translational stop signal in the BRCA1 gene (p.Val1838Cysfs*5). While this is not anticipated to result in nonsense mediated decay, it is expected to disrupt the last 26 amino acids of the BRCA1 protein. This variant is not present in population databases (ExAC no frequency). This variant has been reported in the literature in individuals and families with breast and/or ovarian cancer (PMID: 7493024). This variant is also known as 5629delG in the literature. ClinVar contains an entry for this variant (Variation ID: 55610). This truncation is expected to partially remove the C-terminal BRCT domain of the BRCA1 protein, which is important for DNA repair activity (PMID: 14576433, 15133503). A different deleterious variant, p.Tyr1853*, located downstream of this variant has been shown to disrupt BRCA1 protein function (PMID: 8942979, 20681793, 10811118, 11256609, 17308087) and determined to be pathogenic, suggesting that although this particular variant may not result in nonsense mediated decay, it is expected to affect BRCA1 protein function. For these reasons, this variant has been classified as Pathogenic.

Ambry Genetics
Classification: Pathogenic for Hereditary cancer-predisposing syndrome. Last evaluated: 2018-02-19. Review status: criteria provided, single submitter. Criteria: Ambry Variant Classification Scheme 2023. Collection method: clinical testing. Allele origin: germline. Not counted in ClinVar's aggregate classification.
Comment: The c.5512delG variant, located in coding exon 22 of the BRCA1 gene, results from a deletion of one nucleotide at nucleotide position 5512, causing a translational frameshift with a predicted alternate stop codon (p.Val1838Cysfs*5). This alteration was detected in one family with multiple cases of breast and ovarian cancer (Gayther SA et al. Nat. Genet., 1995 Dec;11:428-33). Of note, this alteration is also designated as c.5629delG in published literature. In addition to the clinical data presented in the literature, this alteration is expected to result in loss of function by premature protein truncation. As such, this alteration is interpreted as a disease-causing mutation.

Breast Cancer Information Core (BIC) (BRCA1)
Classification: Pathogenic for Breast-ovarian cancer, familial 1. Last evaluated: 1997-09-05. Review status: no assertion criteria provided. Collection method: clinical testing. Allele origin: germline. Affected: yes. Observed: 1 variant allele. Not counted in ClinVar's aggregate classification.

Literature cited by the submitters: PubMed 7493024 (cited by Labcorp Genetics (formerly Invitae), Labcorp and Ambry Genetics); PubMed 14576433 (cited by Labcorp Genetics (formerly Invitae), Labcorp); PubMed 15133503 (cited by Labcorp Genetics (formerly Invitae), Labcorp); PubMed 8942979 (cited by Labcorp Genetics (formerly Invitae), Labcorp); PubMed 20681793 (cited by Labcorp Genetics (formerly Invitae), Labcorp); PubMed 10811118 (cited by Labcorp Genetics (formerly Invitae), Labcorp); PubMed 11256609 (cited by Labcorp Genetics (formerly Invitae), Labcorp); PubMed 17308087 (cited by Labcorp Genetics (formerly Invitae), Labcorp).

NM_007294.4(BRCA1):c.5512del (p.Val1838fs)

Gene: BRCA1 (BRCA1 DNA repair associated; minus strand). Cytogenetic location: 17q21.31.
Variant type: Deletion.
Coding change: c.5512del on transcript NM_007294.4 (MANE Select); coding-DNA position 5512, one base deleted (G; older notation c.5512delG).
Protein change: p.Val1838fs; shifts the reading frame from valine 1838.
Molecular consequence: frameshift variant. On other transcripts: 3 prime UTR variant (1), non-coding transcript variant (1).
Genome position (GRCh38, 1-based): chr17:43,045,758, C deleted on the plus strand (G on the coding strand, the reverse complement: BRCA1 is on the minus strand); the first of 3 consecutive C bases (chr17:43,045,758-43,045,760); deleting any one gives the same sequence. VCF-style (leftmost placement, unchanged base first): chr17-43045757-AC-A. GRCh37 (hg19) VCF-style: chr17-41197774-AC-A.
Other names: 5629delG; c.5512delG (NM_007294.3); c.5297delG, p.Val1767Cysfs (NM_001407571.1, NM_001407894.1, NM_001407895.1 and 12 more transcripts); c.5576delG, p.Val1860Cysfs (NM_001407581.1, NM_001407582.1); c.5573delG, p.Val1859Cysfs (NM_001407583.1, NM_001407585.1, NM_001407587.1); c.5570delG, p.Val1858Cysfs (NM_001407590.1, NM_001407591.1); c.5510delG, p.Val1838Cysfs (NM_001407593.1, NM_001407594.1, NM_001407596.1 and 5 more transcripts); c.5507delG, p.Val1837Cysfs (NM_001407610.1, NM_001407611.1, NM_001407612.1 and 14 more transcripts); and 79 more; short protein forms V1859fs, V1838fs, V1791fs, V734fs.
Identifiers: ClinVar variation 55610 (VCV000055610.15), dbSNP rs80357839, ClinGen allele CA003683.